The following is an entry in ClinVar:

ClinVar aggregate classification (germline): Uncertain significance. Review status: criteria provided, multiple submitters, no conflicts (2 of 4 stars). 3 submissions from 3 submitters: Uncertain significance (3). Last evaluated 2025-08-25.

Conditions:
Cardiovascular phenotype. Identifiers: MedGen CN230736.
Hereditary cancer-predisposing syndrome. Also called: Hereditary Cancer Syndrome; Hereditary neoplastic syndrome; Neoplastic Syndromes, Hereditary; Tumor predisposition. Identifiers: Orphanet 140162, MedGen C0027672, MeSH D009386, MONDO:0015356.
Neurofibromatosis, type 1 (NF1). Also called: Peripheral type neurofibromatosis; Neurofibromatosis, type I; VON RECKLINGHAUSEN DISEASE; NEUROFIBROMATOSIS, TYPE I, SOMATIC. Identifiers: Orphanet 636, MedGen C0027831, MONDO:0018975, OMIM 162200. Disease mechanism: loss of function.

Submissions (3):

Ambry Genetics
Classification: Uncertain significance for Cardiovascular phenotype; Hereditary cancer-predisposing syndrome. Last evaluated: 2025-08-25. Review status: criteria provided, single submitter. Criteria: Ambry Variant Classification Scheme 2023. Collection method: clinical testing. Allele origin: germline.
Comment: The p.L1433F variant (also known as c.4297C>T), located in coding exon 32 of the NF1 gene, results from a C to T substitution at nucleotide position 4297. The leucine at codon 1433 is replaced by phenylalanine, an amino acid with highly similar properties. This amino acid position is highly conserved in available vertebrate species. In addition, this alteration is predicted to be deleterious by in silico analysis. Based on the available evidence, the clinical significance of this variant remains unclear.

GeneDx
Classification: Uncertain significance. Last evaluated: 2024-03-26. Review status: criteria provided, single submitter. Criteria: GeneDx Variant Classification Process June 2021. Collection method: clinical testing. Allele origin: germline. Affected: yes.
Comment: Has not been previously published as pathogenic or benign to our knowledge; Not observed at significant frequency in large population cohorts (gnomAD); In silico analysis supports that this missense variant does not alter protein structure/function; This variant is associated with the following publications: (PMID: 25486365, 22807134)

Labcorp Genetics (formerly Invitae), Labcorp
Classification: Uncertain significance for Neurofibromatosis, type 1. Last evaluated: 2022-08-18. Review status: criteria provided, single submitter. Criteria: Invitae Variant Classification Sherloc (09022015). Collection method: clinical testing. Allele origin: germline.
Comment: In summary, the available evidence is currently insufficient to determine the role of this variant in disease. Therefore, it has been classified as a Variant of Uncertain Significance. Advanced modeling of protein sequence and biophysical properties (such as structural, functional, and spatial information, amino acid conservation, physicochemical variation, residue mobility, and thermodynamic stability) performed at Invitae indicates that this missense variant is expected to disrupt NF1 protein function. ClinVar contains an entry for this variant (Variation ID: 1326001). This variant has not been reported in the literature in individuals affected with NF1-related conditions. This variant is not present in population databases (gnomAD no frequency). This sequence change replaces leucine, which is neutral and non-polar, with phenylalanine, which is neutral and non-polar, at codon 1433 of the NF1 protein (p.Leu1433Phe).

NM_001042492.3(NF1):c.4360C>T (p.Leu1454Phe)

Gene: NF1 (neurofibromin 1; plus strand). Cytogenetic location: 17q11.2.
Variant type: single nucleotide variant.
Coding change: c.4360C>T on transcript NM_001042492.3 (MANE Select); coding-DNA position 4360, C replaced by T.
Protein change: p.Leu1454Phe; replaces leucine 1454 with phenylalanine.
Molecular consequence: missense variant.
Genome position (GRCh38, 1-based): chr17:31,259,059, C>T. VCF-style: chr17-31259059-C-T. GRCh37 (hg19) VCF-style: chr17-29586077-C-T.
Other names: c.4297C>T, p.Leu1433Phe (NM_000267.4); short protein forms L1433F, L1454F.
Identifiers: ClinVar variation 1326001 (VCV001326001.9), dbSNP rs1408832954, ClinGen allele CA398998768.